The following is an entry in ClinVar:

NM_004055.5(CAPN5):c.1487G>A (p.Arg496Gln)

Gene: CAPN5 (calpain 5; plus strand). Cytogenetic location: 11q13.5.
Variant type: single nucleotide variant.
Coding change: c.1487G>A on transcript NM_004055.5 (MANE Select); coding-DNA position 1487, G replaced by A.
Protein change: p.Arg496Gln; replaces arginine 496 with glutamine.
Molecular consequence: missense variant.
Genome position (GRCh38, 1-based): chr11:77,120,909, G>A. VCF-style: chr11-77120909-G-A. GRCh37 (hg19) VCF-style: chr11-76831955-G-A.
Other names: short protein forms R496Q.
Identifiers: ClinVar variation 2137197 (VCV002137197.6), dbSNP rs563895448, ClinGen allele CA6196825.

ClinVar aggregate classification (germline): Uncertain significance. Review status: criteria provided, multiple submitters, no conflicts (2 of 4 stars). 2 submissions from 2 submitters: Uncertain significance (2). Last evaluated 2025-10-18.

Conditions:
Retinal dystrophy. Also called: Inherited retinal dystrophy. Identifiers: Orphanet 71862, MedGen C0854723, MeSH D058499, MONDO:0019118, HP:0000556.

Allele frequency attached by ClinVar (database versions not stated): gnomAD exomes 0.00001; gnomAD 0.00002; TOPMed 0.00002; ExAC 0.00003.

Submissions (3):

Labcorp Genetics (formerly Invitae), Labcorp
Classification: Uncertain significance. Last evaluated: 2025-10-18. Review status: criteria provided, single submitter. Criteria: Invitae Variant Classification Sherloc (09022015). Collection method: clinical testing. Allele origin: germline.
Comment: This sequence change replaces arginine, which is basic and polar, with glutamine, which is neutral and polar, at codon 496 of the CAPN5 protein (p.Arg496Gln). This variant also falls at the last nucleotide of exon 10, which is part of the consensus splice site for this exon. This variant is present in population databases (rs563895448, gnomAD 0.01%). This variant has not been reported in the literature in individuals affected with CAPN5-related conditions. ClinVar contains an entry for this variant (Variation ID: 2137197). An algorithm developed to predict the effect of missense changes on protein structure and function outputs the following: PolyPhen-2: "Benign". The glutamine amino acid residue is found in multiple mammalian species, which suggests that this missense change does not adversely affect protein function. Variants that disrupt the consensus splice site are a relatively common cause of aberrant splicing (PMID: 17576681, 9536098). Algorithms developed to predict the effect of sequence changes on RNA splicing suggest that this variant may disrupt the consensus splice site. In summary, the available evidence is currently insufficient to determine the role of this variant in disease. Therefore, it has been classified as a Variant of Uncertain Significance.

Institute of Human Genetics, Univ. Regensburg, Univ. Regensburg
Classification: Uncertain significance for Retinal dystrophy. Last evaluated: 2023-01-01. Review status: criteria provided, single submitter. Criteria: ACMG Guidelines, 2015. Collection method: clinical testing. Allele origin: germline. Affected: yes.

Dr. Peter K. Rogan Lab, Western University
No classification provided (evidence only). Condition: Colon adenocarcinoma. Review status: no classification provided. Collection method: in vitro. Allele origin: not applicable. Functional consequence: retained intron. Not counted in ClinVar's aggregate classification.

Literature cited by the submitters: PubMed 17576681 (cited by Labcorp Genetics (formerly Invitae), Labcorp); PubMed 9536098 (cited by Labcorp Genetics (formerly Invitae), Labcorp); PubMed 24463507 (cited by Institute of Human Genetics, Univ. Regensburg, Univ. Regensburg).